The following is an entry in ClinVar:

ClinVar aggregate classification (germline): Uncertain significance (1 of 4 stars; one submission).

Conditions:
Cognitive impairment - coarse facies - heart defects - obesity - pulmonary involvement - short stature - skeletal dysplasia syndrome. Also called: COGNITIVE IMPAIRMENT, COARSE FACIES, HEART DEFECTS, OBESITY, PULMONARY INVOLVEMENT, SHORT STATURE, AND SKELETAL DYSPLASIA; Chops syndrome; AFF4-Related CHOPS Syndrome. Identifiers: Orphanet 444077, MedGen C4085597, MONDO:0014609, OMIM 616368.

Allele frequency attached by ClinVar (database versions not stated): TOPMed below 0.00001.
gnomAD v4.1: 1 of 1,595,520 alleles (0.000063%); no homozygotes.

Submission:

Labcorp Genetics (formerly Invitae), Labcorp
Classification: Uncertain significance for Cognitive impairment - coarse facies - heart defects - obesity - pulmonary involvement - short stature - skeletal dysplasia syndrome. Last evaluated: 2025-10-14. Review status: criteria provided, single submitter. Criteria: Invitae Variant Classification Sherloc (09022015). Collection method: clinical testing. Allele origin: germline.
Comment: This sequence change replaces serine, which is neutral and polar, with phenylalanine, which is neutral and non-polar, at codon 1039 of the AFF4 protein (p.Ser1039Phe). The frequency data for this variant in the population databases is considered unreliable, as metrics indicate poor data quality at this position in the gnomAD database. This variant has not been reported in the literature in individuals affected with AFF4-related conditions. ClinVar contains an entry for this variant (Variation ID: 1369040). Invitae Evidence Modeling of protein sequence and biophysical properties (such as structural, functional, and spatial information, amino acid conservation, physicochemical variation, residue mobility, and thermodynamic stability) indicates that this missense variant is expected to disrupt AFF4 protein function with a positive predictive value of 80%. In summary, the available evidence is currently insufficient to determine the role of this variant in disease. Therefore, it has been classified as a Variant of Uncertain Significance.

NM_014423.4(AFF4):c.3116C>T (p.Ser1039Phe)

Gene: AFF4 (ALF transcription elongation factor 4; minus strand). Cytogenetic location: 5q31.1.
Variant type: single nucleotide variant.
Coding change: c.3116C>T on transcript NM_014423.4 (MANE Select); coding-DNA position 3116, C replaced by T.
Protein change: p.Ser1039Phe; replaces serine 1039 with phenylalanine.
Molecular consequence: missense variant.
Genome position (GRCh38, 1-based): chr5:132,885,103, G>A on the plus strand (C>T on the coding strand, the complement: AFF4 is on the minus strand). VCF-style: chr5-132885103-G-A. GRCh37 (hg19) VCF-style: chr5-132220795-G-A.
Other names: short protein forms S1039F.
Identifiers: ClinVar variation 1369040 (VCV001369040.6), dbSNP rs1369152967, ClinGen allele CA360967940.
Genomic context (GRCh38, chr5:132,885,103, plus strand): 5'-CAATAATATTTTACATAATAAAATTTTACCTACCTTCCCAAGCCAGGCGATGGTGCTTGA[G>A]AATTATTATAAGAATTCTGTGGAAAAAGTAAAATGTACTTAACAACAACAAAAACCACCA-3'
Protein context (NP_055238.1, residues 1029-1049): TEHLKNSYNN[Ser1039Phe]QAPSPGLGSK